The following is an entry in ClinVar:

NM_000530.8(MPZ):c.332C>A (p.Ser111Tyr)

Gene: MPZ (myelin protein zero; minus strand). Cytogenetic location: 1q23.3.
Variant type: single nucleotide variant.
Coding change: c.332C>A on transcript NM_000530.8 (MANE Select); coding-DNA position 332, C replaced by A.
Protein change: p.Ser111Tyr; replaces serine 111 with tyrosine.
Molecular consequence: missense variant.
Genome position (GRCh38, 1-based): chr1:161,306,824, G>T on the plus strand (C>A on the coding strand, the complement: MPZ is on the minus strand). VCF-style: chr1-161306824-G-T. GRCh37 (hg19) VCF-style: chr1-161276614-G-T.
Other names: c.332C>A, p.Ser111Tyr (NM_001315491.2); short protein forms S111Y.
Identifiers: ClinVar variation 858178 (VCV000858178.8), dbSNP rs1553259663, ClinGen allele CA343349294.

ClinVar aggregate classification (germline): Pathogenic (1 of 4 stars; one submission).

Conditions:
Charcot-Marie-Tooth disease, type I (CMT1). Also called: Charcot-Marie-Tooth, Type 1; Charcot-Marie-Tooth disease type 1. Identifiers: Orphanet 65753, MedGen C0751036, MONDO:0019011.

Submission:

Labcorp Genetics (formerly Invitae), Labcorp
Classification: Pathogenic for Charcot-Marie-Tooth disease, type I. Last evaluated: 2025-08-21. Review status: criteria provided, single submitter. Criteria: Invitae Variant Classification Sherloc (09022015). Collection method: clinical testing. Allele origin: germline.
Comment: This sequence change replaces serine, which is neutral and polar, with tyrosine, which is neutral and polar, at codon 111 of the MPZ protein (p.Ser111Tyr). This variant is not present in population databases (gnomAD no frequency). This missense change has been observed in individual(s) with Charcot-Marie-Tooth disease (PMID: 33179255). In at least one individual the variant was observed to be de novo. ClinVar contains an entry for this variant (Variation ID: 858178). Invitae Evidence Modeling of protein sequence and biophysical properties (such as structural, functional, and spatial information, amino acid conservation, physicochemical variation, residue mobility, and thermodynamic stability) indicates that this missense variant is expected to disrupt MPZ protein function with a positive predictive value of 80%. This variant disrupts the p.Ser111 amino acid residue in MPZ. Other variant(s) that disrupt this residue have been determined to be pathogenic (PMID: 22176150). This suggests that this residue is clinically significant, and that variants that disrupt this residue are likely to be disease-causing. For these reasons, this variant has been classified as Pathogenic.

Literature cited by the submitters: PubMed 33179255; PubMed 22176150.